The following is an entry in ClinVar:

ClinVar aggregate classification (germline): Uncertain significance (1 of 4 stars; one submission).

gnomAD v4.1: 1 of 1,613,932 alleles (0.000062%); no homozygotes.

Submission:

Labcorp Genetics (formerly Invitae), Labcorp
Classification: Uncertain significance. Last evaluated: 2021-05-14. Review status: criteria provided, single submitter. Criteria: Invitae Variant Classification Sherloc (09022015). Collection method: clinical testing. Allele origin: germline.
Comment: In summary, the available evidence is currently insufficient to determine the role of this variant in disease. Therefore, it has been classified as a Variant of Uncertain Significance. Algorithms developed to predict the effect of missense changes on protein structure and function are either unavailable or do not agree on the potential impact of this missense change (SIFT: "Tolerated"; PolyPhen-2: "Probably Damaging"; Align-GVGD: "Class C0"). This variant has not been reported in the literature in individuals with AP3B2-related conditions. This variant is not present in population databases (ExAC no frequency). This sequence change replaces glycine with valine at codon 710 of the AP3B2 protein (p.Gly710Val). The glycine residue is moderately conserved and there is a moderate physicochemical difference between glycine and valine.

NM_001278512.2(AP3B2):c.2186G>T (p.Gly729Val)

Genes: AP3B2 (adaptor related protein complex 3 subunit beta 2; minus strand), CPEB1-AS1 (CPEB1 antisense RNA 1; plus strand). Cytogenetic location: 15q25.2.
Variant type: single nucleotide variant.
Coding change: c.2186G>T on transcript NM_001278512.2 (MANE Select); coding-DNA position 2186, G replaced by T.
Protein change: p.Gly729Val; replaces glycine 729 with valine.
Molecular consequence: missense variant.
Genome position (GRCh38, 1-based): chr15:82,664,442, C>A on the plus strand (G>T on the coding strand, the complement: AP3B2 is on the minus strand). VCF-style: chr15-82664442-C-A. GRCh37 (hg19) VCF-style: chr15-83333194-C-A.
Other names: c.2033G>T, p.Gly678Val (NM_001278511.2); c.2129G>T, p.Gly710Val (NM_004644.5); short protein forms G710V, G678V, G729V.
Identifiers: ClinVar variation 1491145 (VCV001491145.8), dbSNP rs1188621630, ClinGen allele CA393311964.
Genomic context (GRCh38, chr15:82,664,442, plus strand): 5'-CCTTTCTCCTCATCCTCATCCTGGTCTTCATTGTCGGACTCACTGCTGGACTCCCCAGAG[C>A]CGCTCTCACTGCTGCTCTTACTGTCCGATTCACTCTCAGACTCAGGGTCTGTGGAGGAAC-3'
Protein context (NP_001265441.1, residues 719-739): ESDSKSSSES[Gly729Val]SGESSSESDN